The following is an entry in ClinVar:

NM_007294.4(BRCA1):c.542A>C (p.Glu181Ala)

Gene: BRCA1 (BRCA1 DNA repair associated; minus strand). Cytogenetic location: 17q21.31.
Variant type: single nucleotide variant.
Coding change: c.542A>C on transcript NM_007294.4 (MANE Select); coding-DNA position 542, A replaced by C.
Protein change: p.Glu181Ala; replaces glutamic acid 181 with alanine.
Molecular consequence: missense variant. On other transcripts: intron variant (2).
Genome position (GRCh38, 1-based): chr17:43,099,780, T>G on the plus strand (A>C on the coding strand, the complement: BRCA1 is on the minus strand). VCF-style: chr17-43099780-T-G. GRCh37 (hg19) VCF-style: chr17-41251797-T-G.
Other names: c.332A>C, p.Glu111Ala (NM_001407884.1, NM_001407885.1, NM_001407886.1 and 37 more transcripts); c.329A>C, p.Glu110Ala (NM_001407894.1, NM_001407895.1, NM_001407896.1 and 18 more transcripts); c.542A>C, p.Glu181Ala (NM_001407919.1, NM_001407937.1, NM_001407938.1 and 96 more transcripts); c.401A>C, p.Glu134Ala (NM_001407920.1, NM_001407921.1, NM_001407922.1 and 61 more transcripts); c.398A>C, p.Glu133Ala (NM_001407930.1, NM_001407931.1, NM_001407932.1 and 35 more transcripts); c.539A>C, p.Glu180Ala (NM_001407940.1, NM_001407941.1, NM_001407972.1 and 65 more transcripts); c.161A>C, p.Glu54Ala (NM_001407959.1, NM_001407960.1, NM_001407963.1 and 3 more transcripts); c.158A>C, p.Glu53Ala (NM_001407962.1); and 5 more; short protein forms E110A, E111A, E133A, E134A, E136A, E154A, E155A, E178A.
Identifiers: ClinVar variation 3340216 (VCV003340216.3).

ClinVar aggregate classification (germline): Uncertain significance. Review status: criteria provided, multiple submitters, no conflicts (2 of 4 stars). 3 submissions from 3 submitters: Uncertain significance (3). Last evaluated 2025-03-26.

Conditions:
Hereditary cancer-predisposing syndrome. Also called: Tumor predisposition; Hereditary Cancer Syndrome; Hereditary neoplastic syndrome; Neoplastic Syndromes, Hereditary. Identifiers: Orphanet 140162, MedGen C0027672, MeSH D009386, MONDO:0015356.
Hereditary breast ovarian cancer syndrome. Also called: Hereditary breast and ovarian cancer; Hereditary breast and ovarian cancer syndrome (HBOC); Hereditary breast and ovarian cancer syndrome; Breast and ovarian cancer; Hereditary breast and/or ovarian cancer syndrome; BRCA1- and BRCA2-Associated Hereditary Breast and Ovarian Cancer. Identifiers: Orphanet 145, MedGen C0677776, MeSH D061325, MONDO:0003582. Disease mechanism: loss of function.

Submissions (3):

Labcorp Genetics (formerly Invitae), Labcorp
Classification: Uncertain significance for Hereditary breast ovarian cancer syndrome. Last evaluated: 2025-03-26. Review status: criteria provided, single submitter. Criteria: Invitae Variant Classification Sherloc (09022015). Collection method: clinical testing. Allele origin: germline.
Comment: This sequence change replaces glutamic acid, which is acidic and polar, with alanine, which is neutral and non-polar, at codon 181 of the BRCA1 protein (p.Glu181Ala). This variant is not present in population databases (gnomAD no frequency). This variant has not been reported in the literature in individuals affected with BRCA1-related conditions. ClinVar contains an entry for this variant (Variation ID: 3340216). Invitae Evidence Modeling of protein sequence and biophysical properties (such as structural, functional, and spatial information, amino acid conservation, physicochemical variation, residue mobility, and thermodynamic stability) indicates that this missense variant is expected to disrupt BRCA1 protein function with a positive predictive value of 80%. In summary, the available evidence is currently insufficient to determine the role of this variant in disease. Therefore, it has been classified as a Variant of Uncertain Significance.

Ambry Genetics
Classification: Uncertain significance for Hereditary cancer-predisposing syndrome. Last evaluated: 2024-12-12. Review status: criteria provided, single submitter. Criteria: Ambry Variant Classification Scheme 2023. Collection method: clinical testing. Allele origin: germline.
Comment: The p.E181A variant (also known as c.542A>C), located in coding exon 6 of the BRCA1 gene, results from an A to C substitution at nucleotide position 542. The glutamic acid at codon 181 is replaced by alanine, an amino acid with dissimilar properties. This amino acid position is well conserved in available vertebrate species. In addition, the in silico prediction for this alteration is inconclusive. Based on the available evidence, the clinical significance of this variant remains unclear.

GeneDx
Classification: Uncertain significance. Last evaluated: 2023-12-23. Review status: criteria provided, single submitter. Criteria: GeneDx Variant Classification Process June 2021. Collection method: clinical testing. Allele origin: germline. Affected: yes.
Comment: Not observed at significant frequency in large population cohorts (gnomAD); In silico analysis supports that this missense variant has a deleterious effect on protein structure/function; Has not been previously published as pathogenic or benign to our knowledge; Also known as 661A>C; This variant is associated with the following publications: (PMID: 9788437, 20215511)